The following is an entry in ClinVar:

ClinVar aggregate classification (germline): Uncertain significance (1 of 4 stars; one submission).

gnomAD v4.1: 2 of 1,612,892 alleles (0.00012%); highest among the groups gnomAD compares: Non-Finnish European, 0.00017%; no homozygotes.

Submission:

Labcorp Genetics (formerly Invitae), Labcorp
Classification: Uncertain significance. Last evaluated: 2025-02-16. Review status: criteria provided, single submitter. Criteria: Invitae Variant Classification Sherloc (09022015). Collection method: clinical testing. Allele origin: germline.
Comment: This sequence change replaces arginine, which is basic and polar, with lysine, which is basic and polar, at codon 1161 of the CACNA1G protein (p.Arg1161Lys). This variant is present in population databases (rs755002572, gnomAD 0.0009%). This variant has not been reported in the literature in individuals affected with CACNA1G-related conditions. Invitae Evidence Modeling of protein sequence and biophysical properties (such as structural, functional, and spatial information, amino acid conservation, physicochemical variation, residue mobility, and thermodynamic stability) indicates that this missense variant is not expected to disrupt CACNA1G protein function with a negative predictive value of 95%. In summary, the available evidence is currently insufficient to determine the role of this variant in disease. Therefore, it has been classified as a Variant of Uncertain Significance.

NM_018896.5(CACNA1G):c.3482G>A (p.Arg1161Lys)

Gene: CACNA1G (calcium voltage-gated channel subunit alpha1 G; plus strand). Cytogenetic location: 17q21.33.
Variant type: single nucleotide variant.
Coding change: c.3482G>A on transcript NM_018896.5 (MANE Select); coding-DNA position 3482, G replaced by A.
Protein change: p.Arg1161Lys; replaces arginine 1161 with lysine.
Molecular consequence: missense variant. On other transcripts: non-coding transcript variant (5).
Genome position (GRCh38, 1-based): chr17:50,599,651, G>A. VCF-style: chr17-50599651-G-A. GRCh37 (hg19) VCF-style: chr17-48677012-G-A.
Other names: c.3482G>A, p.Arg1161Lys (NM_001256324.2, NM_001256325.2, NM_001256326.2 and 16 more transcripts); c.3413G>A, p.Arg1138Lys (NM_001256332.2, NM_198376.3, NM_198379.3 and 5 more transcripts); short protein forms R1138K, R1161K.
Identifiers: ClinVar variation 4800906 (VCV004800906.1).
Genomic context (GRCh38, chr17:50,599,651, plus strand): 5'-ATGAAGAGGAGAGCTCAGAAGAGGAGCGGGCCAGCCCTGCGGGCAGTGACCATCGCCACA[G>A]GGGGTCCCTGGAGCGGGAGGCCAAGAGTTCCTTTGACCTGCCAGACACACTGCAGGTGCC-3'
Protein context (NP_061496.2, residues 1151-1171): ASPAGSDHRH[Arg1161Lys]GSLEREAKSS